The following is an entry in ClinVar:

NM_000135.4(FANCA):c.3275G>A (p.Gly1092Asp)

Gene: FANCA (FA complementation group A; minus strand). Cytogenetic location: 16q24.3.
Variant type: single nucleotide variant.
Coding change: c.3275G>A on transcript NM_000135.4 (MANE Select); coding-DNA position 3275, G replaced by A.
Protein change: p.Gly1092Asp; replaces glycine 1092 with aspartic acid.
Molecular consequence: missense variant.
Genome position (GRCh38, 1-based): chr16:89,748,732, C>T on the plus strand (G>A on the coding strand, the complement: FANCA is on the minus strand). VCF-style: chr16-89748732-C-T. GRCh37 (hg19) VCF-style: chr16-89815140-C-T.
Other names: c.3275G>A, p.Gly1092Asp (NM_001286167.3); short protein forms G1092D.
Identifiers: ClinVar variation 4022328 (VCV004022328.1).
Genomic context (GRCh38, chr16:89,748,732, plus strand): 5'-ACCAAGTGGAAGAACTGCTCGCATCTGGCAGTGATGGGCTGTTCTGCCTGGAAGCTGCTG[C>T]CGCAGAGGACAGACGAAGGCAGGCGGAGGAGGATCCTGGAAAGAAGGGGCTGTATTGGTG-3'
Protein context (NP_000126.2, residues 1082-1102): LLRLPSSVLC[Gly1092Asp]SSFQAEQPIT

ClinVar aggregate classification (germline): Uncertain significance (1 of 4 stars; one submission).

Conditions:
Inborn genetic diseases. Identifiers: MedGen C0950123, MeSH D030342.

Submission:

Ambry Genetics
Classification: Uncertain significance for Inborn genetic diseases. Last evaluated: 2025-05-31. Review status: criteria provided, single submitter. Criteria: Ambry Variant Classification Scheme 2023. Collection method: clinical testing. Allele origin: germline.
Comment: The p.G1092D variant (also known as c.3275G>A), located in coding exon 33 of the FANCA gene, results from a G to A substitution at nucleotide position 3275. The glycine at codon 1092 is replaced by aspartic acid, an amino acid with similar properties. This amino acid position is conserved. In addition, this alteration is predicted to be tolerated by in silico analysis. Based on the available evidence, the clinical significance of this variant remains unclear.